The following is an entry in ClinVar:

ClinVar aggregate classification (germline): Uncertain significance. Review status: criteria provided, multiple submitters, no conflicts (2 of 4 stars). 6 submissions from 4 submitters: Uncertain significance (6). Last evaluated 2026-06-24.

Conditions:
Inborn genetic diseases. Identifiers: MedGen C0950123, MeSH D030342.
Channelopathy-associated congenital insensitivity to pain, autosomal recessive. Also called: ASYMBOLIA FOR PAIN; Insensitivity to pain, channelopathy-associated; CONGENITAL ANALGESIA, AUTOSOMAL RECESSIVE. Identifiers: Orphanet 88642, Orphanet 970, MedGen C1855739, MONDO:0009459, OMIM 243000.
Primary erythromelalgia. Also called: SCN9A Erythromelalgia (SCN9A-EM); primary erythermalgia. Identifiers: Orphanet 306577, Orphanet 90026, MedGen C0014805, MONDO:0007571, OMIM 133020.
SCN9A-related disorder. Also called: SCN9A-related disorders; SCN9A-related condition.
Neuropathy, hereditary sensory and autonomic, type 2A (HSAN2A). Also called: ACROOSTEOLYSIS, GIACCAI TYPE; ACROOSTEOLYSIS, NEUROGENIC; NEUROPATHY, CONGENITAL SENSORY; NEUROPATHY, HEREDITARY SENSORY RADICULAR, AUTOSOMAL RECESSIVE; NEUROPATHY, HEREDITARY SENSORY, TYPE IIA; NEUROPATHY, PROGRESSIVE SENSORY, OF CHILDREN. Identifiers: Orphanet 970, MedGen C2752089, MONDO:0024309, OMIM 201300.
Generalized epilepsy with febrile seizures plus, type 7 (GEFSP7). Also called: GEFS+, TYPE 7. Identifiers: Orphanet 36387, MedGen C2751778, MONDO:0013470, OMIM 613863.
Paroxysmal extreme pain disorder (PEXPD). Also called: SCN9A Paroxysmal Extreme Pain Disorder (SCN9A-PEPD); PAIN, SUBMANDIBULAR, OCULAR, AND RECTAL, WITH FLUSHING; RECTAL PAIN, FAMILIAL. Identifiers: Orphanet 46348, MedGen C1833661, MONDO:0008179, OMIM 167400.

Allele frequency attached by ClinVar (database versions not stated): gnomAD 0.00001; gnomAD exomes 0.00001; TOPMed 0.00001; ExAC 0.00002.
gnomAD v4.1: 20 of 1,613,796 alleles (0.0012%); highest among the groups gnomAD compares: Middle Eastern, 0.13%; no homozygotes.

Submissions (6):

PreventionGenetics, part of Exact Sciences
Classification: Uncertain significance for SCN9A-related condition. Last evaluated: 2026-06-24. Review status: criteria provided, single submitter. Criteria: ACMG Guidelines, 2015. Collection method: clinical testing. Allele origin: germline.
Comment: The SCN9A c.1482G>T variant is predicted to result in the amino acid substitution p.Lys494Asn. To our knowledge, this variant has not been reported in the literature. This variant is reported in 0.00089% of alleles in individuals of European (Non-Finnish) descent in gnomAD. At this time, the clinical significance of this variant is uncertain due to the absence of conclusive functional and genetic evidence.

Labcorp Genetics (formerly Invitae), Labcorp
Classification: Uncertain significance for Neuropathy, hereditary sensory and autonomic, type 2A; Generalized epilepsy with febrile seizures plus, type 7. Last evaluated: 2025-08-07. Review status: criteria provided, single submitter. Criteria: Invitae Variant Classification Sherloc (09022015). Collection method: clinical testing. Allele origin: germline.
Comment: This sequence change replaces lysine, which is basic and polar, with asparagine, which is neutral and polar, at codon 494 of the SCN9A protein (p.Lys494Asn). This variant is present in population databases (rs777699798, gnomAD 0.0009%). This variant has not been reported in the literature in individuals affected with SCN9A-related conditions. ClinVar contains an entry for this variant (Variation ID: 331990). Invitae Evidence Modeling of protein sequence and biophysical properties (such as structural, functional, and spatial information, amino acid conservation, physicochemical variation, residue mobility, and thermodynamic stability) indicates that this missense variant is not expected to disrupt SCN9A protein function with a negative predictive value of 95%. In summary, the available evidence is currently insufficient to determine the role of this variant in disease. Therefore, it has been classified as a Variant of Uncertain Significance.

Ambry Genetics
Classification: Uncertain significance for Inborn genetic diseases. Last evaluated: 2020-02-19. Review status: criteria provided, single submitter. Criteria: Ambry Variant Classification Scheme 2023. Collection method: clinical testing. Allele origin: germline.
Comment: The c.1482G>T (p.K494N) alteration is located in exon 11 (coding exon 10) of the SCN9A gene. This alteration results from a G to T substitution at nucleotide position 1482, causing the lysine (K) at amino acid position 494 to be replaced by an asparagine (N). The alteration is rare in population databases: _x000D_ _x000D_ Based on data from the Genome Aggregation Database (gnomAD), the c.1482G>T alteration was observed in 0.001% (2/249,148) of total alleles studied. The altered amino acid is conserved throughout evolution:_x000D_ _x000D_ The p.K494 amino acid is conserved in available vertebrate species; however asparagine is the reference amino acid in multiple species. The alteration is predicted tolerated by in silico modeling:_x000D_ _x000D_ The p.K494N alteration is predicted to be tolerated by in silico analysis. Based on insufficient or conflicting evidence, the clinical significance of this alteration remains unclear.

Illumina Laboratory Services, Illumina
Classification: Uncertain significance for Channelopathy-associated congenital insensitivity to pain, autosomal recessive. Last evaluated: 2018-01-13. Review status: criteria provided, single submitter. Criteria: ICSL Variant Classification Criteria 13 December 2019. Collection method: clinical testing. Allele origin: germline.

Illumina Laboratory Services, Illumina
Classification: Uncertain significance for Primary erythromelalgia. Last evaluated: 2018-01-13. Review status: criteria provided, single submitter. Criteria: ICSL Variant Classification Criteria 13 December 2019. Collection method: clinical testing. Allele origin: germline.

Illumina Laboratory Services, Illumina
Classification: Uncertain significance for Paroxysmal extreme pain disorder. Last evaluated: 2018-01-13. Review status: criteria provided, single submitter. Criteria: ICSL Variant Classification Criteria 13 December 2019. Collection method: clinical testing. Allele origin: germline.

NM_001365536.1(SCN9A):c.1482G>T (p.Lys494Asn)

Genes: SCN1A-AS1 (SCN1A and SCN9A antisense RNA 1; plus strand), SCN9A (sodium voltage-gated channel alpha subunit 9; minus strand). Cytogenetic location: 2q24.3.
Variant type: single nucleotide variant.
Coding change: c.1482G>T on transcript NM_001365536.1 (MANE Select); coding-DNA position 1482, G replaced by T.
Protein change: p.Lys494Asn; replaces lysine 494 with asparagine.
Molecular consequence: missense variant.
Genome position (GRCh38, 1-based): chr2:166,286,456, C>A on the plus strand (G>T on the coding strand, the complement: SCN9A is on the minus strand). VCF-style: chr2-166286456-C-A. GRCh37 (hg19) VCF-style: chr2-167142966-C-A.
Other names: c.1482G>T, p.Lys494Asn (NM_002977.4); short protein forms K494N.
Identifiers: ClinVar variation 331990 (VCV000331990.18), dbSNP rs777699798, ClinGen allele CA1944501.